The following is an entry in ClinVar:

NM_001197104.2(KMT2A):c.9044T>C (p.Val3015Ala)

Gene: KMT2A (lysine methyltransferase 2A; plus strand). Cytogenetic location: 11q23.3.
Variant type: single nucleotide variant.
Coding change: c.9044T>C on transcript NM_001197104.2 (MANE Select); coding-DNA position 9044, T replaced by C.
Protein change: p.Val3015Ala; replaces valine 3015 with alanine.
Molecular consequence: missense variant.
Genome position (GRCh38, 1-based): chr11:118,504,936, T>C. VCF-style: chr11-118504936-T-C. GRCh37 (hg19) VCF-style: chr11-118375651-T-C.
Other names: c.9035T>C, p.Val3012Ala (NM_005933.4); short protein forms V3012A, V3015A.
Identifiers: ClinVar variation 1347990 (VCV001347990.8), dbSNP rs1394164693, ClinGen allele CA382817944.

ClinVar aggregate classification (germline): Uncertain significance (1 of 4 stars; one submission).

Allele frequency attached by ClinVar (database versions not stated): gnomAD exomes below 0.00001; TOPMed below 0.00001; gnomAD 0.00001.
gnomAD v4.1: 4 of 1,614,066 alleles (0.00025%); highest among the groups gnomAD compares: Non-Finnish European, 0.00034%; no homozygotes.

Submission:

Labcorp Genetics (formerly Invitae), Labcorp
Classification: Uncertain significance. Last evaluated: 2021-01-02. Review status: criteria provided, single submitter. Criteria: Invitae Variant Classification Sherloc (09022015). Collection method: clinical testing. Allele origin: germline.
Comment: Advanced modeling of protein sequence and biophysical properties (such as structural, functional, and spatial information, amino acid conservation, physicochemical variation, residue mobility, and thermodynamic stability) performed at Invitae indicates that this missense variant is not expected to disrupt KMT2A protein function. In summary, the available evidence is currently insufficient to determine the role of this variant in disease. Therefore, it has been classified as a Variant of Uncertain Significance. Algorithms developed to predict the effect of sequence changes on RNA splicing suggest that this variant may create or strengthen a splice site, but this prediction has not been confirmed by published transcriptional studies. This variant has not been reported in the literature in individuals with KMT2A-related conditions. This variant is not present in population databases (ExAC no frequency). This sequence change replaces valine with alanine at codon 3015 of the KMT2A protein (p.Val3015Ala). The valine residue is moderately conserved and there is a small physicochemical difference between valine and alanine.